The following is an entry in ClinVar:

ClinVar aggregate classification (germline): Uncertain significance (1 of 4 stars; one submission).

gnomAD v4.1: 1 of 1,536,482 alleles (0.000065%); highest among the groups gnomAD compares: Non-Finnish European, 0.000088%; no homozygotes.

Submission:

Labcorp Genetics (formerly Invitae), Labcorp
Classification: Uncertain significance. Last evaluated: 2025-04-12. Review status: criteria provided, single submitter. Criteria: Invitae Variant Classification Sherloc (09022015). Collection method: clinical testing. Allele origin: germline.
Comment: This sequence change replaces proline, which is neutral and non-polar, with threonine, which is neutral and polar, at codon 59 of the CPLANE1 protein (p.Pro59Thr). This variant is not present in population databases (gnomAD no frequency). This variant has not been reported in the literature in individuals affected with CPLANE1-related conditions. ClinVar contains an entry for this variant (Variation ID: 1351581). Invitae Evidence Modeling of protein sequence and biophysical properties (such as structural, functional, and spatial information, amino acid conservation, physicochemical variation, residue mobility, and thermodynamic stability) indicates that this missense variant is not expected to disrupt CPLANE1 protein function with a negative predictive value of 95%. In summary, the available evidence is currently insufficient to determine the role of this variant in disease. Therefore, it has been classified as a Variant of Uncertain Significance.

NM_001384732.1(CPLANE1):c.175C>A (p.Pro59Thr)

Gene: CPLANE1 (ciliogenesis and planar polarity effector complex subunit 1; minus strand). Cytogenetic location: 5p13.2.
Variant type: single nucleotide variant.
Coding change: c.175C>A on transcript NM_001384732.1 (MANE Select); coding-DNA position 175, C replaced by A.
Protein change: p.Pro59Thr; replaces proline 59 with threonine.
Molecular consequence: missense variant.
Genome position (GRCh38, 1-based): chr5:37,245,752, G>T on the plus strand (C>A on the coding strand, the complement: CPLANE1 is on the minus strand). VCF-style: chr5-37245752-G-T. GRCh37 (hg19) VCF-style: chr5-37245854-G-T.
Other names: c.175C>A, p.Pro59Thr (NM_023073.4); short protein forms P59T.
Identifiers: ClinVar variation 1351581 (VCV001351581.8), dbSNP rs1307084274, ClinGen allele CA359524344.